The following is an entry in ClinVar:

NM_025132.4(WDR19):c.1775A>T (p.Gln592Leu)

Gene: WDR19 (WD repeat domain 19; plus strand). Cytogenetic location: 4p14.
Variant type: single nucleotide variant.
Coding change: c.1775A>T on transcript NM_025132.4 (MANE Select); coding-DNA position 1775, A replaced by T.
Protein change: p.Gln592Leu; replaces glutamine 592 with leucine.
Molecular consequence: missense variant.
Genome position (GRCh38, 1-based): chr4:39,228,355, A>T. VCF-style: chr4-39228355-A-T. GRCh37 (hg19) VCF-style: chr4-39229975-A-T.
Other names: c.1295A>T, p.Gln432Leu (NM_001317924.2); short protein forms Q432L, Q592L.
Identifiers: ClinVar variation 900817 (VCV000900817.12), dbSNP rs190192706, ClinGen allele CA2891922.

ClinVar aggregate classification (germline): Uncertain significance. Review status: criteria provided, multiple submitters, no conflicts (2 of 4 stars). 4 submissions from 3 submitters: Uncertain significance (4). Last evaluated 2022-05-06.

Conditions:
Senior-Loken syndrome 8 (SLSN8). Identifiers: Orphanet 3156, MedGen C4225376, MONDO:0014579, OMIM 616307.
Asphyxiating thoracic dystrophy 5 (SRTD5). Also called: SHORT-RIB THORACIC DYSPLASIA 5 WITH OR WITHOUT POLYDACTYLY; SHORT-RIB THORACIC DYSPLASIA 5 WITHOUT POLYDACTYLY. Identifiers: Orphanet 474, MedGen C3280598, MONDO:0013717, OMIM 614376.
Spermatogenic failure 72 (SPGF72). Identifiers: MedGen C5676980, MONDO:0030809, OMIM 619867.
Nephronophthisis 13 (NPHP13). Identifiers: Orphanet 655, MedGen C3280612, MONDO:0013718, OMIM 614377.
Cranioectodermal dysplasia 4 (CED4). Identifiers: Orphanet 1515, MedGen C3280616, MONDO:0013719, OMIM 614378.

Allele frequency attached by ClinVar (database versions not stated): TOPMed 0.00001.
gnomAD v4.1: 6 of 1,608,884 alleles (0.00037%); highest among the groups gnomAD compares: Non-Finnish European, 0.00043%; no homozygotes.

Submissions (4):

Fulgent Genetics
Classification: Uncertain significance for Asphyxiating thoracic dystrophy 5; Nephronophthisis 13; Cranioectodermal dysplasia 4; Senior-Loken syndrome 8; Spermatogenic failure 72. Last evaluated: 2022-05-06. Review status: criteria provided, single submitter. Criteria: ACMG Guidelines, 2015. Collection method: clinical testing. Allele origin: unknown.

Labcorp Genetics (formerly Invitae), Labcorp
Classification: Uncertain significance for Senior-Loken syndrome 8; Asphyxiating thoracic dystrophy 5. Last evaluated: 2021-02-17. Review status: criteria provided, single submitter. Criteria: Invitae Variant Classification Sherloc (09022015). Collection method: clinical testing. Allele origin: germline.
Comment: This sequence change replaces glutamine with leucine at codon 592 of the WDR19 protein (p.Gln592Leu). The glutamine residue is highly conserved and there is a moderate physicochemical difference between glutamine and leucine. This variant is present in population databases (rs190192706, ExAC 0.002%). This variant has not been reported in the literature in individuals with WDR19-related conditions. ClinVar contains an entry for this variant (Variation ID: 900817). Algorithms developed to predict the effect of missense changes on protein structure and function are either unavailable or do not agree on the potential impact of this missense change (SIFT: "Deleterious"; PolyPhen-2: "Benign"; Align-GVGD: "Class C0"). In summary, the available evidence is currently insufficient to determine the role of this variant in disease. Therefore, it has been classified as a Variant of Uncertain Significance.

Illumina Laboratory Services, Illumina
Classification: Uncertain significance for Cranioectodermal dysplasia 4. Last evaluated: 2018-01-12. Review status: criteria provided, single submitter. Criteria: ICSL Variant Classification Criteria 13 December 2019. Collection method: clinical testing. Allele origin: germline.

Illumina Laboratory Services, Illumina
Classification: Uncertain significance for Asphyxiating thoracic dystrophy 5. Last evaluated: 2018-01-12. Review status: criteria provided, single submitter. Criteria: ICSL Variant Classification Criteria 13 December 2019. Collection method: clinical testing. Allele origin: germline.